The following is an entry in ClinVar:

ClinVar aggregate classification (germline): Likely pathogenic (1 of 4 stars; one submission).

gnomAD v4.1: 1 of 1,207,393 alleles (0.000083%); highest among the groups gnomAD compares: Non-Finnish European, 0.00011%; no homozygotes.

Submission:

GeneDx
Classification: Likely pathogenic. Last evaluated: 2017-02-10. Review status: criteria provided, single submitter. Criteria: GeneDx Variant Classification (06012015). Collection method: clinical testing. Allele origin: germline. Affected: yes.
Comment: A variant that is likely pathogenic has been identified in the PLP1 gene. The Y177X variant has not been published as a pathogenic variant, nor has it been reported as a benign variant to our knowledge. The Y177X variant is not observed in large population cohorts (Lek et al., 2016; 1000 Genomes Consortium et al., 2015; Exome Variant Server). The Y177X nonsense variant in the PLP1 gene is predicted to cause loss of normal protein function either through protein truncation or nonsense-mediated mRNA decay. Therefore, this variant is likely pathogenic; however, the possibility that it is benign cannot be excluded.

NM_000533.5(PLP1):c.531C>A (p.Tyr177Ter)

Genes: PLP1 (proteolipid protein 1; plus strand), RAB9B (RAB9B, member RAS oncogene family; minus strand). Cytogenetic location: Xq22.2.
Variant type: single nucleotide variant.
Coding change: c.531C>A on transcript NM_000533.5 (MANE Select); coding-DNA position 531, C replaced by A.
Protein change: p.Tyr177Ter; replaces tyrosine 177 with a stop codon.
Molecular consequence: nonsense.
Genome position (GRCh38, 1-based): chrX:103,787,875, C>A. VCF-style: chrX-103787875-C-A. GRCh37 (hg19) VCF-style: chrX-103042804-C-A.
Other names: c.531C>A, p.Tyr177Ter (NM_001128834.3); c.366C>A, p.Tyr122Ter (NM_001305004.1); c.426C>A, p.Tyr142Ter (NM_199478.3); short protein forms Y177*, Y122*, Y142*.
Identifiers: ClinVar variation 423301 (VCV000423301.2), dbSNP rs1064796350, ClinGen allele CA16621169.
Genomic context (GRCh38, chrX:103,787,875, plus strand): 5'-TGCCCTGACCGTTGTGTGGCTCCTGGTGTTTGCCTGCTCTGCTGTGCCTGTGTACATTTA[C>A]TTCAACACCTGGACCACCTGCCAGTCTATTGCCTTCCCCAGCAAGACCTCTGCCAGTATA-3'